The following is an entry in ClinVar:

NM_006206.6(PDGFRA):c.452G>T (p.Arg151Leu)

Gene: PDGFRA (platelet derived growth factor receptor alpha; plus strand). Cytogenetic location: 4q12.
Variant type: single nucleotide variant.
Coding change: c.452G>T on transcript NM_006206.6 (MANE Select); coding-DNA position 452, G replaced by T.
Protein change: p.Arg151Leu; replaces arginine 151 with leucine.
Molecular consequence: missense variant.
Genome position (GRCh38, 1-based): chr4:54,263,751, G>T. VCF-style: chr4-54263751-G-T. GRCh37 (hg19) VCF-style: chr4-55129918-G-T.
Other names: c.452G>T, p.Arg151Leu (NM_001347827.2, NM_001347829.2); c.527G>T, p.Arg176Leu (NM_001347828.2); c.491G>T, p.Arg164Leu (NM_001347830.2); short protein forms R151L, R164L, R176L.
Identifiers: ClinVar variation 651947 (VCV000651947.10), dbSNP rs1060501501, ClinGen allele CA356889857.

ClinVar aggregate classification (germline): Uncertain significance. Review status: criteria provided, multiple submitters, no conflicts (2 of 4 stars). 2 submissions from 2 submitters: Uncertain significance (2). Last evaluated 2024-11-17.

Conditions:
Hereditary cancer-predisposing syndrome. Also called: Neoplastic Syndromes, Hereditary; Tumor predisposition; Hereditary Cancer Syndrome; Hereditary neoplastic syndrome. Identifiers: Orphanet 140162, MedGen C0027672, MeSH D009386, MONDO:0015356.
Gastrointestinal stromal tumor. Also called: Gastrointestinal stromal tumor, somatic; Gastrointestinal stroma tumor. Identifiers: Orphanet 44890, MedGen C0238198, MeSH D046152, MONDO:0011719, OMIM 606764, HP:0100723.

Submissions (2):

Ambry Genetics
Classification: Uncertain significance for Hereditary cancer-predisposing syndrome. Last evaluated: 2024-11-17. Review status: criteria provided, single submitter. Criteria: Ambry Variant Classification Scheme 2023. Collection method: clinical testing. Allele origin: germline.
Comment: The p.R151L variant (also known as c.452G>T), located in coding exon 3 of the PDGFRA gene, results from a G to T substitution at nucleotide position 452. The arginine at codon 151 is replaced by leucine, an amino acid with dissimilar properties. This amino acid position is conserved. In addition, this alteration is predicted to be deleterious by in silico analysis. Based on the available evidence, the clinical significance of this variant remains unclear.

Labcorp Genetics (formerly Invitae), Labcorp
Classification: Uncertain significance for Gastrointestinal stromal tumor. Last evaluated: 2022-08-31. Review status: criteria provided, single submitter. Criteria: Invitae Variant Classification Sherloc (09022015). Collection method: clinical testing. Allele origin: germline.
Comment: In summary, the available evidence is currently insufficient to determine the role of this variant in disease. Therefore, it has been classified as a Variant of Uncertain Significance. Algorithms developed to predict the effect of missense changes on protein structure and function are either unavailable or do not agree on the potential impact of this missense change (SIFT: "Deleterious"; PolyPhen-2: "Benign"; Align-GVGD: "Class C0"). ClinVar contains an entry for this variant (Variation ID: 651947). This variant has not been reported in the literature in individuals affected with PDGFRA-related conditions. This variant is not present in population databases (gnomAD no frequency). This sequence change replaces arginine, which is basic and polar, with leucine, which is neutral and non-polar, at codon 151 of the PDGFRA protein (p.Arg151Leu).